The following is an entry in ClinVar:

ClinVar aggregate classification (germline): Uncertain significance (1 of 4 stars; one submission).

Submission:

Labcorp Genetics (formerly Invitae), Labcorp
Classification: Uncertain significance. Last evaluated: 2025-12-17. Review status: criteria provided, single submitter. Criteria: Invitae Variant Classification Sherloc (09022015). Collection method: clinical testing. Allele origin: germline.
Comment: This sequence change creates a premature translational stop signal (p.Ser274Phefs*6) in the DDX58 gene. It is expected to result in an absent or disrupted protein product. However, the current clinical and genetic evidence is not sufficient to establish whether loss-of-function variants in DDX58 cause disease. This variant is not present in population databases (gnomAD no frequency). This variant has not been reported in the literature in individuals affected with DDX58-related conditions. In summary, the available evidence is currently insufficient to determine the role of this variant in disease. Therefore, it has been classified as a Variant of Uncertain Significance.

NM_014314.4(RIGI):c.820dup (p.Ser274fs)

Gene: RIGI (RNA sensor RIG-I; minus strand). Cytogenetic location: 9p21.1.
Variant type: Duplication.
Coding change: c.820dup on transcript NM_014314.4 (MANE Select); coding-DNA position 820, one base duplicated (T; older notation c.820dupT).
Protein change: p.Ser274fs; shifts the reading frame from serine 274.
Molecular consequence: frameshift variant.
Genome position (GRCh38, 1-based): chr9:32,488,867, A duplicated on the plus strand (T on the coding strand, the reverse complement: RIGI is on the minus strand); the first of 3 consecutive A bases (chr9:32,488,867-32,488,869); duplicating any one gives the same sequence. VCF-style (leftmost placement, unchanged base first): chr9-32488866-G-GA. GRCh37 (hg19) VCF-style: chr9-32488864-G-GA.
Other names: c.820dup, p.Ser274fs (NM_001385907.1, NM_001385909.1); c.379dup, p.Ser127fs (NM_001385910.1); c.211dup, p.Ser71fs (NM_001385912.1); c.805dup, p.Ser269fs (NM_001385913.1); c.376dup, p.Ser126fs (NM_001385914.1); short protein forms S127fs, S269fs, S71fs, S126fs, S274fs.
Identifiers: ClinVar variation 4733043 (VCV004733043.1).